The following is an entry in ClinVar:

NM_020921.4(NIN):c.853G>A (p.Ala285Thr)

Gene: NIN (ninein; minus strand). Cytogenetic location: 14q22.1.
Variant type: single nucleotide variant.
Coding change: c.853G>A on transcript NM_020921.4 (MANE Select); coding-DNA position 853, G replaced by A.
Protein change: p.Ala285Thr; replaces alanine 285 with threonine.
Molecular consequence: missense variant.
Genome position (GRCh38, 1-based): chr14:50,772,429, C>T on the plus strand (G>A on the coding strand, the complement: NIN is on the minus strand). VCF-style: chr14-50772429-C-T. GRCh37 (hg19) VCF-style: chr14-51239147-C-T.
Other names: c.853G>A, p.Ala285Thr (NM_016350.5, NM_182944.3, NM_182946.2); short protein forms A285T.
Identifiers: ClinVar variation 1964503 (VCV001964503.5), dbSNP rs773734503, ClinGen allele CA7182340.

ClinVar aggregate classification (germline): Uncertain significance (1 of 4 stars; one submission).

Allele frequency attached by ClinVar (database versions not stated): gnomAD exomes below 0.00001; ExAC 0.00001; gnomAD 0.00001; TOPMed 0.00002.
gnomAD v4.1: 8 of 1,614,058 alleles (0.0005%); highest among the groups gnomAD compares: African/African-American, 0.008%; no homozygotes.

Submission:

Labcorp Genetics (formerly Invitae), Labcorp
Classification: Uncertain significance. Last evaluated: 2025-10-16. Review status: criteria provided, single submitter. Criteria: Invitae Variant Classification Sherloc (09022015). Collection method: clinical testing. Allele origin: germline.
Comment: This sequence change replaces alanine, which is neutral and non-polar, with threonine, which is neutral and polar, at codon 285 of the NIN protein (p.Ala285Thr). This variant is present in population databases (rs773734503, gnomAD 0.004%). This variant has not been reported in the literature in individuals affected with NIN-related conditions. ClinVar contains an entry for this variant (Variation ID: 1964503). An algorithm developed to predict the effect of missense changes on protein structure and function outputs the following: PolyPhen-2: "Benign". The threonine amino acid residue is found in multiple mammalian species, which suggests that this missense change does not adversely affect protein function. In summary, the available evidence is currently insufficient to determine the role of this variant in disease. Therefore, it has been classified as a Variant of Uncertain Significance.